The following is an entry in ClinVar:

NM_016122.3(CEP83):c.1945T>C (p.Phe649Leu)

Gene: CEP83 (centrosomal protein 83; minus strand). Cytogenetic location: 12q22.
Variant type: single nucleotide variant.
Coding change: c.1945T>C on transcript NM_016122.3 (MANE Select); coding-DNA position 1945, T replaced by C.
Protein change: p.Phe649Leu; replaces phenylalanine 649 with leucine.
Molecular consequence: missense variant. On other transcripts: non-coding transcript variant (2).
Genome position (GRCh38, 1-based): chr12:94,309,974, A>G on the plus strand (T>C on the coding strand, the complement: CEP83 is on the minus strand). VCF-style: chr12-94309974-A-G. GRCh37 (hg19) VCF-style: chr12-94703750-A-G.
Other names: c.1945T>C, p.Phe649Leu (NM_001042399.2, NM_001346457.2, NM_001368037.1 and 1 more transcripts); c.1633T>C, p.Phe545Leu (NM_001346458.2, NM_001346459.2, NM_001368039.1 and 1 more transcripts); c.1720T>C, p.Phe574Leu (NM_001368041.1); short protein forms F545L, F649L, F574L.
Identifiers: ClinVar variation 2095030 (VCV002095030.4), dbSNP rs1217951961, ClinGen allele CA386046297.
Genomic context (GRCh38, chr12:94,309,974, plus strand): 5'-ATACCTGCATATGAGGAGGAAATGGTAGTTCCATGCTTGGAACCATGGCTGATGACTGAA[A>G]GCTAACAGGATTGATAGATGCTGTTGGAGGCATGTTAGGAACCAAAATTAGACTTCGAAA-3'
Protein context (NP_057206.2, residues 639-659): PPTASINPVS[Phe649Leu]QSSAMVPSME

ClinVar aggregate classification (germline): Uncertain significance (1 of 4 stars; one submission).

Conditions:
Nephronophthisis 18 (NPHP18). Identifiers: Orphanet 655, MedGen C3890591, MONDO:0014374, OMIM 615862.

Allele frequency attached by ClinVar (database versions not stated): gnomAD 0.00001.
gnomAD v4.1: 2 of 1,611,726 alleles (0.00012%); highest among the groups gnomAD compares: Admixed American, 0.0017%; no homozygotes.

Submission:

Labcorp Genetics (formerly Invitae), Labcorp
Classification: Uncertain significance for Nephronophthisis 18. Last evaluated: 2022-05-27. Review status: criteria provided, single submitter. Criteria: Invitae Variant Classification Sherloc (09022015). Collection method: clinical testing. Allele origin: germline.
Comment: This sequence change replaces phenylalanine, which is neutral and non-polar, with leucine, which is neutral and non-polar, at codon 649 of the CEP83 protein (p.Phe649Leu). The frequency data for this variant in the population databases is considered unreliable, as metrics indicate poor data quality at this position in the gnomAD database. This variant has not been reported in the literature in individuals affected with CEP83-related conditions. Algorithms developed to predict the effect of missense changes on protein structure and function output the following: SIFT: "Not Available"; PolyPhen-2: "Benign"; Align-GVGD: "Not Available". The leucine amino acid residue is found in multiple mammalian species, which suggests that this missense change does not adversely affect protein function. In summary, the available evidence is currently insufficient to determine the role of this variant in disease. Therefore, it has been classified as a Variant of Uncertain Significance.